The following is an entry in ClinVar:

NM_002510.3(GPNMB):c.421G>T (p.Asp141Tyr)

Gene: GPNMB (glycoprotein nmb; plus strand). Cytogenetic location: 7p15.3.
Variant type: single nucleotide variant.
Coding change: c.421G>T on transcript NM_002510.3 (MANE Select); coding-DNA position 421, G replaced by T.
Protein change: p.Asp141Tyr; replaces aspartic acid 141 with tyrosine.
Molecular consequence: missense variant.
Genome position (GRCh38, 1-based): chr7:23,256,945, G>T. VCF-style: chr7-23256945-G-T. GRCh37 (hg19) VCF-style: chr7-23296564-G-T.
Other names: c.421G>T, p.Asp141Tyr (NM_001005340.2); short protein forms D141Y.
Identifiers: ClinVar variation 733291 (VCV000733291.6), dbSNP rs146184286, ClinGen allele CA4187378.

ClinVar aggregate classification (germline): Likely benign. Review status: criteria provided, single submitter (1 of 4 stars). 2 submissions from 2 submitters: Likely benign (1). 1 of the submissions does not count toward it. Last evaluated 2019-12-31.

Conditions:
GPNMB-related disorder. Also called: GPNMB-related condition.

Allele frequency attached by ClinVar (database versions not stated): ESP Exome Variant Server 0.00131; gnomAD 0.00156 and 0.00176; TOPMed 0.00178; 1000 Genomes Project 0.00220; 1000 Genomes Project 30x 0.00234.
gnomAD v4.1: 454 of 1,614,192 alleles (0.028%); highest among the groups gnomAD compares: African/African-American, 0.53%; 1 homozygote.

Submissions (2):

Labcorp Genetics (formerly Invitae), Labcorp
Classification: Likely benign. Last evaluated: 2019-12-31. Review status: criteria provided, single submitter. Criteria: Invitae Variant Classification Sherloc (09022015). Collection method: clinical testing. Allele origin: germline.

PreventionGenetics, part of Exact Sciences
Classification: Likely benign for GPNMB-related condition. Last evaluated: 2023-07-16. Review status: no assertion criteria provided. Collection method: clinical testing. Allele origin: germline. Not counted in ClinVar's aggregate classification.
Comment: This variant is classified as likely benign based on ACMG/AMP sequence variant interpretation guidelines (Richards et al. 2015 PMID: 25741868, with internal and published modifications).